The following is an entry in ClinVar:

ClinVar aggregate classification (germline): Uncertain significance (1 of 4 stars; one submission).

Conditions:
Beckwith-Wiedemann syndrome (BWS). Also called: Exomphalos macroglossia gigantism syndrome; EMG SYNDROME. Identifiers: Orphanet 116, MedGen C0004903, MONDO:0007534, OMIM 130650.

Submission:

Labcorp Genetics (formerly Invitae), Labcorp
Classification: Uncertain significance for Beckwith-Wiedemann syndrome. Last evaluated: 2025-10-01. Review status: criteria provided, single submitter. Criteria: Invitae Variant Classification Sherloc (09022015). Collection method: clinical testing. Allele origin: germline.
Comment: This sequence change replaces arginine, which is basic and polar, with serine, which is neutral and polar, at codon 92 of the CDKN1C protein (p.Arg92Ser). This variant is not present in population databases (gnomAD no frequency). This variant has not been reported in the literature in individuals affected with CDKN1C-related conditions. ClinVar contains an entry for this variant (Variation ID: 970973). Invitae Evidence Modeling of protein sequence and biophysical properties (such as structural, functional, and spatial information, amino acid conservation, physicochemical variation, residue mobility, and thermodynamic stability) indicates that this missense variant is not expected to disrupt CDKN1C protein function with a negative predictive value of 80%. In summary, the available evidence is currently insufficient to determine the role of this variant in disease. Therefore, it has been classified as a Variant of Uncertain Significance.

NM_001122630.2(CDKN1C):c.241C>A (p.Arg81Ser)

Gene: CDKN1C (cyclin dependent kinase inhibitor 1C; minus strand). Cytogenetic location: 11p15.4.
Variant type: single nucleotide variant.
Coding change: c.241C>A on transcript NM_001122630.2 (MANE Select); coding-DNA position 241, C replaced by A.
Protein change: p.Arg81Ser; replaces arginine 81 with serine.
Molecular consequence: missense variant.
Genome position (GRCh38, 1-based): chr11:2,885,216, G>T on the plus strand (C>A on the coding strand, the complement: CDKN1C is on the minus strand). VCF-style: chr11-2885216-G-T. GRCh37 (hg19) VCF-style: chr11-2906446-G-T.
Other names: c.274C>A, p.Arg92Ser (NM_000076.2, NM_001362474.2); c.241C>A, p.Arg81Ser (NM_001122631.2, NM_001362475.2); short protein forms R81S, R92S.
Identifiers: ClinVar variation 970973 (VCV000970973.8), dbSNP rs1848969615, ClinGen allele CA379147125.